The following is an entry in ClinVar:

NM_015100.4(POGZ):c.1679-3C>G

Gene: POGZ (pogo transposable element derived with ZNF domain; minus strand). Cytogenetic location: 1q21.3.
Variant type: single nucleotide variant.
Coding change: c.1679-3C>G on transcript NM_015100.4 (MANE Select); 3 bases into the intron before coding-DNA position 1679, C replaced by G.
Molecular consequence: intron variant.
Genome position (GRCh38, 1-based): chr1:151,412,399, G>C on the plus strand (C>G on the coding strand, the complement: POGZ is on the minus strand). VCF-style: chr1-151412399-G-C. GRCh37 (hg19) VCF-style: chr1-151384875-G-C.
Other names: c.1493-3C>G (NM_001194938.2); c.1394-3C>G (NM_145796.4); c.1652-3C>G (NM_001194937.2); c.1520-3C>G (NM_207171.2).
Identifiers: ClinVar variation 1184815 (VCV001184815.5), dbSNP rs376091120, ClinGen allele CA2499214179.

ClinVar aggregate classification (germline): Pathogenic. Review status: criteria provided, single submitter (1 of 4 stars). 2 submissions from 2 submitters: Pathogenic (1). 1 of the submissions does not count toward it. Last evaluated 2025-09-12.

Conditions:
Intellectual disability-microcephaly-strabismus-behavioral abnormalities syndrome. Also called: White-Sutton Syndrome. Identifiers: Orphanet 468678, MedGen C4225351, MONDO:0014606, OMIM 616364.

Submissions (2):

GeneDx
Classification: Pathogenic. Last evaluated: 2025-09-12. Review status: criteria provided, single submitter. Criteria: GeneDx Variant Classification Process June 2021. Collection method: clinical testing. Allele origin: germline. Affected: yes.
Comment: Not observed at significant frequency in large population cohorts (gnomAD); In silico analysis supports a deleterious effect on splicing; This variant is associated with the following publications: (PMID: 33098347)

University of Washington Center for Mendelian Genomics, University of Washington
Classification: Likely pathogenic for Intellectual disability-microcephaly-strabismus-behavioral abnormalities syndrome. Review status: no assertion criteria provided. Collection method: research. Allele origin: de novo. Affected: yes. Not counted in ClinVar's aggregate classification.

Literature cited by the submitters: PubMed 33098347 (cited by University of Washington Center for Mendelian Genomics, University of Washington).